The following is an entry in ClinVar:

NM_000395.3(CSF2RB):c.553G>T (p.Ala185Ser)

Gene: CSF2RB (colony stimulating factor 2 receptor subunit beta; plus strand). Cytogenetic location: 22q12.3.
Variant type: single nucleotide variant.
Coding change: c.553G>T on transcript NM_000395.3 (MANE Select); coding-DNA position 553, G replaced by T.
Protein change: p.Ala185Ser; replaces alanine 185 with serine.
Molecular consequence: missense variant.
Genome position (GRCh38, 1-based): chr22:36,929,642, G>T. VCF-style: chr22-36929642-G-T. GRCh37 (hg19) VCF-style: chr22-37325684-G-T.
Other names: c.553G>T, p.Ala185Ser (NM_001410827.1); short protein forms A185S.
Identifiers: ClinVar variation 3617132 (VCV003617132.2).
Genomic context (GRCh38, chr22:36,929,642, plus strand): 5'-CCCCAGCCCGAAGGGATGGGCAGCACCCCTCCTCCAGCACCCACTGTCTCCTGACAGGAC[G>T]CAGCCATCCTCCTCTCCAACACCTCCCAGGCCACCCTGGGGCCAGAGCACCTCATGCCCA-3'
Protein context (NP_000386.1, residues 175-195): YKRLQDSWED[Ala185Ser]AILLSNTSQA

ClinVar aggregate classification (germline): Uncertain significance (1 of 4 stars; one submission).

gnomAD v4.1: 2 of 1,614,212 alleles (0.00012%); highest among the groups gnomAD compares: Admixed American, 0.0017%; no homozygotes.

Submission:

Labcorp Genetics (formerly Invitae), Labcorp
Classification: Uncertain significance. Last evaluated: 2024-06-12. Review status: criteria provided, single submitter. Criteria: Invitae Variant Classification Sherloc (09022015). Collection method: clinical testing. Allele origin: germline.
Comment: This sequence change replaces alanine, which is neutral and non-polar, with serine, which is neutral and polar, at codon 185 of the CSF2RB protein (p.Ala185Ser). This variant is present in population databases (rs61737702, gnomAD 0.003%). This variant has not been reported in the literature in individuals affected with CSF2RB-related conditions. Advanced modeling of protein sequence and biophysical properties (such as structural, functional, and spatial information, amino acid conservation, physicochemical variation, residue mobility, and thermodynamic stability) performed at Invitae indicates that this missense variant is expected to disrupt CSF2RB protein function with a positive predictive value of 80%. Algorithms developed to predict the effect of sequence changes on RNA splicing suggest that this variant may create or strengthen a splice site. In summary, the available evidence is currently insufficient to determine the role of this variant in disease. Therefore, it has been classified as a Variant of Uncertain Significance.